The following is an entry in ClinVar:

NM_198721.4(COL25A1):c.836G>C (p.Gly279Ala)

Gene: COL25A1 (collagen type XXV alpha 1 chain; minus strand). Cytogenetic location: 4q25.
Variant type: single nucleotide variant.
Coding change: c.836G>C on transcript NM_198721.4 (MANE Select); coding-DNA position 836, G replaced by C.
Protein change: p.Gly279Ala; replaces glycine 279 with alanine.
Molecular consequence: missense variant. On other transcripts: non-coding transcript variant (1).
Genome position (GRCh38, 1-based): chr4:108,899,179, C>G on the plus strand (G>C on the coding strand, the complement: COL25A1 is on the minus strand). VCF-style: chr4-108899179-C-G. GRCh37 (hg19) VCF-style: chr4-109820335-C-G.
Other names: c.824G>C, p.Gly275Ala (NM_001256074.3); c.836G>C, p.Gly279Ala (NM_032518.4); short protein forms G275A, G279A.
Identifiers: ClinVar variation 4056089 (VCV004056089.1).

ClinVar aggregate classification (germline): Likely pathogenic (1 of 4 stars; one submission).

Conditions:
Arthrogryposis multiplex congenita (AMC). Also called: Congenital multiple arthrogryposis; Fibrous ankylosis of multiple joints; Congenital arthromyodysplasia; Myodystrophia fetalis deformans; Otto syndrome; Rocher-Sheldon syndrome. Identifiers: Orphanet 1037, MedGen C5779613, MeSH D001176, MONDO:0015168, HP:0002804.

Submission:

Diagnostics Services (NGS), CSIR - Centre For Cellular And Molecular Biology
Classification: Likely pathogenic for Arthrogryposis multiplex congenita. Last evaluated: 2023-07-27. Review status: criteria provided, single submitter. Criteria: ACMG Guidelines, 2015. Collection method: clinical testing. Allele origin: germline. Inheritance: Autosomal recessive inheritance. Affected: yes and no. Observed: 2 heterozygotes, 1 homozygote.
Comment: Biallelic variations in this gene have been reported in literature in five patients from three unrelated families, presented with a recognisable and variable phenotype chracterised by AMC with or without ocular congenital cranial dysinnervation disorder (PMID: 35077597). This variant is not present in publicly available population databases. It has neither been published in literature for COL25A1-related conditions nor reported to the clinical databases, in any affected individuals. In-silico pathogenicity prediction programs predicted this variant to be likely deleterious. This variant is located near exon-intron splice-junction (splice distance- 2 bp) and unianimously predicted to affect splicing by different computational algorithms to detect splicing aberrations. It has been predicted to affect splicing by the activation of a cryptic acceptor site, however these predictions were not confirmed by published transnational studies.

Literature cited by the submitters: PubMed 35077597.